The following is an entry in ClinVar:

NC_000011.9:g.(?_88027174)_(88029452_?)dup

Gene: CTSC (cathepsin C; minus strand). Cytogenetic location: 11q14.2.
Variant type: Duplication.
Identifiers: ClinVar variation 1373952 (VCV001373952.4).

ClinVar aggregate classification (germline): Uncertain significance (1 of 4 stars; one submission).

Conditions:
Papillon-Lefèvre syndrome (PALS). Also called: KERATOSIS PALMOPLANTARIS WITH PERIODONTOPATHIA; Papillon-Lefevre Disease. Identifiers: Orphanet 678, MedGen C0030360, MONDO:0009490, OMIM 245000.
Periodontitis, aggressive. Identifiers: MedGen C0031106, MONDO:0980757.
Haim-Munk syndrome (HMS). Also called: COCHIN JEWISH DISORDER; KERATOSIS PALMOPLANTARIS WITH PERIODONTOPATHIA AND ONYCHOGRYPOSIS. Identifiers: Orphanet 2342, MedGen C1855627, MONDO:0009491, OMIM 245010.

Submission:

Labcorp Genetics (formerly Invitae), Labcorp
Classification: Uncertain significance for Haim-Munk syndrome; Periodontitis, aggressive; Papillon-Lefèvre syndrome. Last evaluated: 2020-12-20. Review status: criteria provided, single submitter. Criteria: Invitae Variant Classification Sherloc (09022015). Collection method: clinical testing. Allele origin: germline.
Comment: In summary, the available evidence is currently insufficient to determine the role of this variant in disease. Therefore, it has been classified as a Variant of Uncertain Significance. This variant has not been reported in the literature in individuals with CTSC-related conditions. This variant results in a copy number gain of the genomic region encompassing exon(s) 6-7 of the CTSC gene. The 5' boundary is likely confined to intron 5. The 3' end of this event is unknown as it extends beyond the assayed region for this gene and therefore may encompass additional genes. As the precise location of this event is unknown, it may be in tandem or it may be located elsewhere in the genome.